The following is an entry in ClinVar:

NM_005476.7(GNE):c.1567C>A (p.Leu523Met)

Gene: GNE (glucosamine (UDP-N-acetyl)-2-epimerase/N-acetylmannosamine kinase; minus strand). Cytogenetic location: 9p13.3.
Variant type: single nucleotide variant.
Coding change: c.1567C>A on transcript NM_005476.7 (MANE Select); coding-DNA position 1567, C replaced by A.
Protein change: p.Leu523Met; replaces leucine 523 with methionine.
Molecular consequence: missense variant. On other transcripts: intron variant (1).
Genome position (GRCh38, 1-based): chr9:36,222,843, G>T on the plus strand (C>A on the coding strand, the complement: GNE is on the minus strand). VCF-style: chr9-36222843-G-T. GRCh37 (hg19) VCF-style: chr9-36222840-G-T.
Other names: c.1660C>A, p.Leu554Met (NM_001128227.3); c.1237C>A, p.Leu413Met (NM_001190384.3); c.1390C>A, p.Leu464Met (NM_001190388.2, NM_001374798.1); c.1414C>A, p.Leu472Met (NM_001374797.1); c.1411+530C>A (NM_001190383.3); short protein forms L523M, L554M, L413M, L464M, L472M.
Identifiers: ClinVar variation 553846 (VCV000553846.6), dbSNP rs1554658905, ClinGen allele CA373426294.
Genomic context (GRCh38, chr9:36,222,843, plus strand): 5'-CTGTGATAAGTGTAACAAAGTTTTCCAGTCCCTTTCCTTGGCCAAATTTCCTTTCCGCCA[G>T]GGCAGCACAGTTGCCATCATTGTCTACCCACACAGGGAGATGCAAAGTGTCAGAAAGGGG-3'
Protein context (NP_005467.1, residues 513-533): WVDNDGNCAA[Leu523Met]AERKFGQGKG

ClinVar aggregate classification (germline): Uncertain significance. Review status: criteria provided, single submitter (1 of 4 stars). 2 submissions from 2 submitters: Uncertain significance (1). 1 of the submissions does not count toward it. Last evaluated 2022-03-10.

Conditions:
Sialuria. Also called: SIALURIA, FRENCH TYPE; Sialic Acid Storage Disease. Identifiers: Orphanet 3166, MedGen C0342853, MONDO:0010028, OMIM 269921.
GNE myopathy (NM). Also called: IBM 2; Inclusion body myopathy autosomal recessive; Inclusion body myopathy quadriceps sparing; NONAKA DISTAL MYOPATHY; INCLUSION BODY MYOPATHY, HEREDITARY, AUTOSOMAL RECESSIVE; INCLUSION BODY MYOPATHY 2, AUTOSOMAL RECESSIVE. Identifiers: Orphanet 602, MedGen C1853926, MONDO:0011603, OMIM 605820.

Submissions (2):

Labcorp Genetics (formerly Invitae), Labcorp
Classification: Uncertain significance for Sialuria; GNE myopathy. Last evaluated: 2022-03-10. Review status: criteria provided, single submitter. Criteria: Invitae Variant Classification Sherloc (09022015). Collection method: clinical testing. Allele origin: germline.
Comment: In summary, the available evidence is currently insufficient to determine the role of this variant in disease. Therefore, it has been classified as a Variant of Uncertain Significance. Advanced modeling of protein sequence and biophysical properties (such as structural, functional, and spatial information, amino acid conservation, physicochemical variation, residue mobility, and thermodynamic stability) performed at Invitae indicates that this missense variant is not expected to disrupt GNE protein function. ClinVar contains an entry for this variant (Variation ID: 553846). This variant has not been reported in the literature in individuals affected with GNE-related conditions. This variant is not present in population databases (gnomAD no frequency). This sequence change replaces leucine, which is neutral and non-polar, with methionine, which is neutral and non-polar, at codon 554 of the GNE protein (p.Leu554Met).

Counsyl
Classification: Uncertain significance for GNE myopathy. Last evaluated: 2017-11-14. Review status: no assertion criteria provided. Collection method: clinical testing. Allele origin: unknown. Not counted in ClinVar's aggregate classification.